The following is an entry in ClinVar:

ClinVar aggregate classification (germline): Conflicting classifications of pathogenicity. Review status: criteria provided, conflicting classifications (1 of 4 stars). 2 submissions from 2 submitters: Likely pathogenic (1); Uncertain significance (1). Last evaluated 2021-11-29.

Conditions:
Duchenne muscular dystrophy (DMD). Also called: MUSCULAR DYSTROPHY, PSEUDOHYPERTROPHIC PROGRESSIVE, DUCHENNE TYPE; Duchenne Muscular Dystrophy (DMD). Identifiers: Orphanet 98896, MedGen C0013264, MONDO:0010679, OMIM 310200.

Submissions (2):

Labcorp Genetics (formerly Invitae), Labcorp
Classification: Uncertain significance for Duchenne muscular dystrophy. Last evaluated: 2021-11-29. Review status: criteria provided, single submitter. Criteria: Invitae Variant Classification Sherloc (09022015). Collection method: clinical testing. Allele origin: germline.
Comment: In summary, the available evidence is currently insufficient to determine the role of this variant in disease. Therefore, it has been classified as a Variant of Uncertain Significance. This variant disrupts the p.Cys3313 amino acid residue in DMD. Other variant(s) that disrupt this residue have been determined to be pathogenic (PMID: 12632325, 24302611, 28859693; Invitae). This suggests that this residue is clinically significant, and that variants that disrupt this residue are likely to be disease-causing. Algorithms developed to predict the effect of sequence changes on RNA splicing suggest that this variant may create or strengthen a splice site. Algorithms developed to predict the effect of missense changes on protein structure and function are either unavailable or do not agree on the potential impact of this missense change (SIFT: "Deleterious"; PolyPhen-2: "Benign"; Align-GVGD: "Class C65"). This missense change has been observed in individual(s) with muscular dystrophy (PMID: 21515508). This variant is not present in population databases (gnomAD no frequency). This sequence change replaces cysteine, which is neutral and slightly polar, with glycine, which is neutral and non-polar, at codon 3313 of the DMD protein (p.Cys3313Gly).

Laboratory of Functional Genomics, Research Centre for Medical Genetics
Classification: Likely pathogenic for Duchenne muscular dystrophy. Review status: criteria provided, single submitter. Criteria: ACMG Guidelines, 2015. Collection method: clinical testing, in vitro. Allele origin: germline, not applicable. Inheritance: X-linked recessive inheritance. Affected: yes. Observed: 1 hemizygote. Functional consequence: cryptic splice donor activation.

Literature cited by the submitters: PubMed 12632325 (cited by Labcorp Genetics (formerly Invitae), Labcorp); PubMed 24302611 (cited by Labcorp Genetics (formerly Invitae), Labcorp); PubMed 28859693 (cited by Labcorp Genetics (formerly Invitae), Labcorp); PubMed 21515508 (cited by Labcorp Genetics (formerly Invitae), Labcorp).

NM_004006.3(DMD):c.9937T>G (p.Cys3313Gly)

Gene: DMD (dystrophin; minus strand). Cytogenetic location: Xp21.2.
Variant type: single nucleotide variant.
Coding change: c.9937T>G on transcript NM_004006.3 (MANE Select); coding-DNA position 9937, T replaced by G.
Protein change: p.Cys3313Gly; replaces cysteine 3313 with glycine.
Molecular consequence: missense variant.
Genome position (GRCh38, 1-based): chrX:31,182,775, A>C on the plus strand (T>G on the coding strand, the complement: DMD is on the minus strand). VCF-style: chrX-31182775-A-C. GRCh37 (hg19) VCF-style: chrX-31200892-A-C.
Other names: c.9913T>G, p.Cys3305Gly (NM_000109.4); c.9925T>G, p.Cys3309Gly (NM_004009.3); c.9568T>G, p.Cys3190Gly (NM_004010.3); c.5914T>G, p.Cys1972Gly (NM_004011.4); c.5905T>G, p.Cys1969Gly (NM_004012.4); c.2557T>G, p.Cys853Gly (NM_004013.3, NM_004020.4, NM_004021.3 and 2 more transcripts); c.1750T>G, p.Cys584Gly (NM_004014.3); c.733T>G, p.Cys245Gly (NM_004015.3, NM_004016.3, NM_004017.3 and 2 more transcripts); short protein forms C245G, C3305G, C3309G, C3313G, C1972G, C1969G, C3190G, C584G.
Identifiers: ClinVar variation 2138502 (VCV002138502.8), dbSNP rs1556045698, ClinGen allele CA412653349.